The following is an entry in ClinVar:

ClinVar aggregate classification (germline): Pathogenic/Likely pathogenic. Review status: criteria provided, multiple submitters, no conflicts (2 of 4 stars). 4 submissions from 4 submitters: Pathogenic (2); Likely pathogenic (2). Last evaluated 2025-11-18.

Conditions:
Hereditary cancer-predisposing syndrome. Also called: Hereditary neoplastic syndrome; Neoplastic Syndromes, Hereditary; Tumor predisposition; Hereditary Cancer Syndrome. Identifiers: Orphanet 140162, MedGen C0027672, MeSH D009386, MONDO:0015356.
Cardiovascular phenotype. Identifiers: MedGen CN230736.
Neurofibromatosis, type 1 (NF1). Also called: Neurofibromatosis, type I; VON RECKLINGHAUSEN DISEASE; NEUROFIBROMATOSIS, TYPE I, SOMATIC; Peripheral type neurofibromatosis. Identifiers: Orphanet 636, MedGen C0027831, MONDO:0018975, OMIM 162200. Disease mechanism: loss of function.

Submissions (4):

GeneDx
Classification: Likely pathogenic. Last evaluated: 2025-11-18. Review status: criteria provided, single submitter. Criteria: GeneDx Variant Classification Process June 2021. Collection method: clinical testing. Allele origin: germline. Affected: yes.
Comment: Observed in an individual with NF1-associated tumors (PMID: 22155606); Not observed at significant frequency in large population cohorts (gnomAD); In silico analysis supports that this missense variant has a deleterious effect on protein structure/function; This variant is associated with the following publications: (PMID: 21031597, 22155606, 25486365)

Labcorp Genetics (formerly Invitae), Labcorp
Classification: Pathogenic for Neurofibromatosis, type 1. Last evaluated: 2025-09-22. Review status: criteria provided, single submitter. Criteria: Invitae Variant Classification Sherloc (09022015). Collection method: clinical testing. Allele origin: germline.
Comment: This sequence change replaces threonine, which is neutral and polar, with proline, which is neutral and non-polar, at codon 780 of the NF1 protein (p.Thr780Pro). This variant is not present in population databases (gnomAD no frequency). This missense change has been observed in individual(s) with clinical features of NF1-related conditions (PMID: 21031597, 22155606). ClinVar contains an entry for this variant (Variation ID: 1216533). Invitae Evidence Modeling of protein sequence and biophysical properties (such as structural, functional, and spatial information, amino acid conservation, physicochemical variation, residue mobility, and thermodynamic stability) indicates that this missense variant is expected to disrupt NF1 protein function with a positive predictive value of 95%. This variant disrupts the p.Thr780 amino acid residue in NF1. Other variant(s) that disrupt this residue have been determined to be pathogenic (PMID: 16786508, 16944272, 31370276; internal data). This suggests that this residue is clinically significant, and that variants that disrupt this residue are likely to be disease-causing. For these reasons, this variant has been classified as Pathogenic.

OLLIN Analises Genomicas, OLLIN
Classification: Pathogenic for Neurofibromatosis, type 1. Last evaluated: 2025-02-27. Review status: criteria provided, single submitter. Criteria: ACMG Guidelines 2015 PMID 25741868. Collection method: clinical testing. Allele origin: germline. Affected: yes. Observed: 1 variant allele.
Comment: The missense variant (chr17:31227535A>C), located in exon 20 (of 57), absent in gnomAD v4.1 non-UKB, is reported in ClinVar (VCV001216533.7) and in the scientific literature, and has also been identified de novo in individuals with neurofibromatosis (PMID: 22155606, 21031597 and ClinVar Accession: SCV002733006.2). This variant is in a known mutational hotspot, and two other pathogenic variants that alter the same amino acid residue, but with a different consequence, have been reported (ClinVar IDs: VCV000457581.15, VCV000068316.57). This gene shows low tolerance to missense variantion, and in silico analysis predicts a deleterious effect on protein function. According to the evidence currently available, this variant has been classified as pathogenic (PS2, PM1, PM2_P, PM5, PP2, PP3_M, PP4).

Ambry Genetics
Classification: Likely pathogenic for Cardiovascular phenotype; Hereditary cancer-predisposing syndrome. Last evaluated: 2020-01-13. Review status: criteria provided, single submitter. Criteria: Ambry Variant Classification Scheme 2023. Collection method: clinical testing. Allele origin: germline.
Comment: The p.T780P variant (also known as c.2338A>C), located in coding exon 20 of the NF1 gene, results from an A to C substitution at nucleotide position 2338. The threonine at codon 780 is replaced by proline, an amino acid with highly similar properties. This variant has been determined to be the result of a de novo mutation or germline mosaicism in one family with an isolated case of Neurofibromatosis (Ambry internal data). Based on structural analysis, this alteration is not predicted to destabilize protein structure (Scheffzek K et al. EMBO J., 1998 Aug;17:4313-27; Welti S et al. Hum. Mutat., 2011 Feb;32:191-7; Ambry internal data). Another alteration, p.T780K, has been described in the same codon and has been detected in multiple individuals with NF1 (Evans DG et al. EBioMedicine, 2016 May;7:212-20; Fahsold R et al. Am. J. Hum. Genet., 2000 Mar;66:790-818; De Luca A et al. Hum. Mutat., 2004 Jun;23:629; Esposito T et al. J. Neurochem., 2015 Dec;135:1123-8). This amino acid position is highly conserved in available vertebrate species. In addition, this alteration is predicted to be deleterious by in silico analysis. Based on the majority of available evidence to date, this variant is likely to be pathogenic.

Literature cited by the submitters: PubMed 21031597 (cited by Labcorp Genetics (formerly Invitae), Labcorp and OLLIN Analises Genomicas, OLLIN); PubMed 22155606 (cited by Labcorp Genetics (formerly Invitae), Labcorp and OLLIN Analises Genomicas, OLLIN); PubMed 16786508 (cited by Labcorp Genetics (formerly Invitae), Labcorp); PubMed 16944272 (cited by Labcorp Genetics (formerly Invitae), Labcorp); PubMed 31370276 (cited by Labcorp Genetics (formerly Invitae), Labcorp).

NM_001042492.3(NF1):c.2338A>C (p.Thr780Pro)

Gene: NF1 (neurofibromin 1; plus strand). Cytogenetic location: 17q11.2.
Variant type: single nucleotide variant.
Coding change: c.2338A>C on transcript NM_001042492.3 (MANE Select); coding-DNA position 2338, A replaced by C.
Protein change: p.Thr780Pro; replaces threonine 780 with proline.
Molecular consequence: missense variant.
Genome position (GRCh38, 1-based): chr17:31,227,535, A>C. VCF-style: chr17-31227535-A-C. GRCh37 (hg19) VCF-style: chr17-29554553-A-C.
Other names: c.2338A>C, p.Thr780Pro (NM_000267.4); short protein forms T780P.
Identifiers: ClinVar variation 1216533 (VCV001216533.8), dbSNP rs1205746953, ClinGen allele CA398983049.
Genomic context (GRCh38, chr17:31,227,535, plus strand): 5'-TTAGCTCTAGACTAAGTTGCTTTCAAGTGATAATTGCCTTCATTTTAGGCTTGGGAAGAT[A>C]CACATGCAAAATGGGAACAAGCAACAAAGCTAATCCTTAACTATCCAAAAGCCAAAATGG-3'
Protein context (NP_001035957.1, residues 770-790): TAGNTEAWED[Thr780Pro]HAKWEQATKL